The following is an entry in ClinVar:

ClinVar aggregate classification (germline): Uncertain significance (1 of 4 stars; one submission).

Conditions:
Bloom syndrome (BLM). Also called: Bloom-Torre-Machacek syndrome. Identifiers: Orphanet 125, MedGen C0005859, MONDO:0008876, OMIM 210900.

Submission:

Labcorp Genetics (formerly Invitae), Labcorp
Classification: Uncertain significance for Bloom syndrome. Last evaluated: 2022-01-26. Review status: criteria provided, single submitter. Criteria: Invitae Variant Classification Sherloc (09022015). Collection method: clinical testing. Allele origin: germline.
Comment: This sequence change replaces glutamic acid, which is acidic and polar, with glycine, which is neutral and non-polar, at codon 745 of the BLM protein (p.Glu745Gly). This variant is not present in population databases (gnomAD no frequency). This variant has not been reported in the literature in individuals affected with BLM-related conditions. Algorithms developed to predict the effect of missense changes on protein structure and function are either unavailable or do not agree on the potential impact of this missense change (SIFT: "Deleterious"; PolyPhen-2: "Probably Damaging"; Align-GVGD: "Class C0"). In summary, the available evidence is currently insufficient to determine the role of this variant in disease. Therefore, it has been classified as a Variant of Uncertain Significance.

NM_000057.4(BLM):c.2234A>G (p.Glu745Gly)

Gene: BLM (BLM RecQ like helicase; plus strand). Cytogenetic location: 15q26.1.
Variant type: single nucleotide variant.
Coding change: c.2234A>G on transcript NM_000057.4 (MANE Select); coding-DNA position 2234, A replaced by G.
Protein change: p.Glu745Gly; replaces glutamic acid 745 with glycine.
Molecular consequence: missense variant.
Genome position (GRCh38, 1-based): chr15:90,766,950, A>G. VCF-style: chr15-90766950-A-G. GRCh37 (hg19) VCF-style: chr15-91310180-A-G.
Other names: c.2234A>G, p.Glu745Gly (NM_001287246.2, NM_001287247.2); c.1109A>G, p.Glu370Gly (NM_001287248.2); short protein forms E370G, E745G.
Identifiers: ClinVar variation 2089412 (VCV002089412.4), dbSNP rs2505446944, ClinGen allele CA393844849.